The following is an entry in ClinVar:

NM_000455.5(STK11):c.352T>C (p.Tyr118His)

Gene: STK11 (serine/threonine kinase 11; plus strand). Cytogenetic location: 19p13.3.
Variant type: single nucleotide variant.
Coding change: c.352T>C on transcript NM_000455.5 (MANE Select); coding-DNA position 352, T replaced by C.
Protein change: p.Tyr118His; replaces tyrosine 118 with histidine.
Molecular consequence: missense variant.
Genome position (GRCh38, 1-based): chr19:1,218,478, T>C. VCF-style: chr19-1218478-T-C. GRCh37 (hg19) VCF-style: chr19-1218477-T-C.
Other names: short protein forms Y118H.
Identifiers: ClinVar variation 1369569 (VCV001369569.11), dbSNP rs2145420779, ClinGen allele CA402947829.

ClinVar aggregate classification (germline): Uncertain significance. Review status: criteria provided, multiple submitters, no conflicts (2 of 4 stars). 3 submissions from 3 submitters: Uncertain significance (3). Last evaluated 2024-06-04.

Conditions:
Hereditary cancer-predisposing syndrome. Also called: Hereditary neoplastic syndrome; Hereditary Cancer Syndrome; Neoplastic Syndromes, Hereditary; Tumor predisposition. Identifiers: Orphanet 140162, MedGen C0027672, MeSH D009386, MONDO:0015356.
Peutz-Jeghers syndrome (PJS). Also called: Peutz-Jeghers polyposis; Periorificial lentiginosis syndrome; POLYPOSIS, HAMARTOMATOUS INTESTINAL; POLYPS-AND-SPOTS SYNDROME. Identifiers: Orphanet 2869, MedGen C0031269, MeSH D010580, MONDO:0008280, OMIM 175200.

Allele frequency attached by ClinVar (database versions not stated): gnomAD exomes below 0.00001.

Submissions (3):

Labcorp Genetics (formerly Invitae), Labcorp
Classification: Uncertain significance for Peutz-Jeghers syndrome. Last evaluated: 2024-06-04. Review status: criteria provided, single submitter. Criteria: Invitae Variant Classification Sherloc (09022015). Collection method: clinical testing. Allele origin: germline.
Comment: This sequence change replaces tyrosine, which is neutral and polar, with histidine, which is basic and polar, at codon 118 of the STK11 protein (p.Tyr118His). This variant is not present in population databases (gnomAD no frequency). This variant has not been reported in the literature in individuals affected with STK11-related conditions. ClinVar contains an entry for this variant (Variation ID: 1369569). Advanced modeling of protein sequence and biophysical properties (such as structural, functional, and spatial information, amino acid conservation, physicochemical variation, residue mobility, and thermodynamic stability) performed at Invitae indicates that this missense variant is not expected to disrupt STK11 protein function with a negative predictive value of 80%. In summary, the available evidence is currently insufficient to determine the role of this variant in disease. Therefore, it has been classified as a Variant of Uncertain Significance.

All of Us Research Program, National Institutes of Health
Classification: Uncertain significance for Peutz-Jeghers syndrome. Last evaluated: 2023-05-16. Review status: criteria provided, single submitter. Criteria: ACMG Guidelines, 2015. Collection method: clinical testing. Allele origin: germline. Inheritance: Autosomal dominant inheritance. Observed: 1 variant allele, 1 heterozygote.
Comment: This missense variant replaces tyrosine with histidine at codon 118 of the STK11 protein. Computational prediction suggests that this variant may not impact protein structure and function (internally defined REVEL score threshold <= 0.5, PMID: 27666373). To our knowledge, functional studies have not been reported for this variant. This variant has not been reported in individuals affected with STK11-related disorders in the literature. This variant has not been identified in the general population by the Genome Aggregation Database (gnomAD). The available evidence is insufficient to determine the role of this variant in disease conclusively. Therefore, this variant is classified as a Variant of Uncertain Significance.

This study involves interpretation of variants in research participants for the purpose of population health screening. Participant phenotype was not available at the time of variant classification. Additional details can be found in publication PMID: 35346344, PMCID: PMC8962531

Ambry Genetics
Classification: Uncertain significance for Hereditary cancer-predisposing syndrome. Last evaluated: 2021-12-13. Review status: criteria provided, single submitter. Criteria: Ambry Variant Classification Scheme 2023. Collection method: clinical testing. Allele origin: germline.
Comment: The p.Y118H variant (also known as c.352T>C), located in coding exon 2 of the STK11 gene, results from a T to C substitution at nucleotide position 352. The tyrosine at codon 118 is replaced by histidine, an amino acid with similar properties. This alteration was not observed in 7,051 unselected female breast cancer patients and was observed with an allele frequency of 0.00009 in 11,241 female controls of Japanese ancestry. This amino acid position is not well conserved in available vertebrate species. In addition, the in silico prediction for this alteration is inconclusive. Since supporting evidence is limited at this time, the clinical significance of this alteration remains unclear.

Literature cited by the submitters: PubMed 30287823 (cited by Ambry Genetics).